The following is an entry in ClinVar:

NM_002230.4(JUP):c.823C>T (p.Pro275Ser)

Gene: JUP (junction plakoglobin; minus strand). Cytogenetic location: 17q21.2.
Variant type: single nucleotide variant.
Coding change: c.823C>T on transcript NM_002230.4 (MANE Select); coding-DNA position 823, C replaced by T.
Protein change: p.Pro275Ser; replaces proline 275 with serine.
Molecular consequence: missense variant.
Genome position (GRCh38, 1-based): chr17:41,767,465, G>A on the plus strand (C>T on the coding strand, the complement: JUP is on the minus strand). VCF-style: chr17-41767465-G-A. GRCh37 (hg19) VCF-style: chr17-39923717-G-A.
Other names: c.823C>T, p.Pro275Ser (NM_001352773.2, NM_001352774.2, NM_001352775.2 and 3 more transcripts); short protein forms P275S.
Identifiers: ClinVar variation 3750293 (VCV003750293.2).

ClinVar aggregate classification (germline): Uncertain significance (1 of 4 stars; one submission).

Conditions:
Naxos disease (NXD). Also called: KERATOSIS PALMOPLANTARIS WITH ARRHYTHMOGENIC CARDIOMYOPATHY; MAL DE NAXOS; PALMOPLANTAR KERATODERMA WITH ARRHYTHMOGENIC RIGHT VENTRICULAR CARDIOMYOPATHY AND WOOLLY HAIR; WOOLLY HAIR, PALMOPLANTAR KERATODERMA, AND CARDIAC ABNORMALITIES; CARDIOMYOPATHY, ARRHYTHMOGENIC RIGHT VENTRICULAR, WITH SKIN, HAIR, AND NAIL ABNORMALITIES. Identifiers: Orphanet 34217, MedGen C1832600, MONDO:0011017, OMIM 601214.
Arrhythmogenic right ventricular dysplasia 12. Also called: ARRHYTHMOGENIC RIGHT VENTRICULAR DYSPLASIA, FAMILIAL, 12. Identifiers: MedGen C1969081, MONDO:0012684, OMIM 611528.

Submission:

Labcorp Genetics (formerly Invitae), Labcorp
Classification: Uncertain significance for Arrhythmogenic right ventricular dysplasia 12; Naxos disease. Last evaluated: 2024-11-07. Review status: criteria provided, single submitter. Criteria: Invitae Variant Classification Sherloc (09022015). Collection method: clinical testing. Allele origin: germline.
Comment: This sequence change replaces proline, which is neutral and non-polar, with serine, which is neutral and polar, at codon 275 of the JUP protein (p.Pro275Ser). This variant is not present in population databases (gnomAD no frequency). This variant has not been reported in the literature in individuals affected with JUP-related conditions. An algorithm developed to predict the effect of missense changes on protein structure and function (PolyPhen-2) suggests that this variant is likely to be tolerated. In summary, the available evidence is currently insufficient to determine the role of this variant in disease. Therefore, it has been classified as a Variant of Uncertain Significance.